The following is an entry in ClinVar:

ClinVar aggregate classification (germline): Likely benign (1 of 4 stars; one submission).

gnomAD v4.1: 3 of 1,614,144 alleles (0.00019%); highest among the groups gnomAD compares: African/African-American, 0.0027%; no homozygotes.

Submission:

CeGaT Center for Human Genetics Tuebingen
Classification: Likely benign. Last evaluated: 2025-11-01. Review status: criteria provided, single submitter. Criteria: CeGaT Center For Human Genetics Tuebingen Variant Classification Criteria Version 2. Collection method: clinical testing. Allele origin: germline. Affected: yes. Observed: 1 variant allele.
Comment: FLG: BP4, BP7

NM_002016.2(FLG):c.11889T>C (p.Thr3963=)

Genes: CCDST (cervical cancer associated DHX9 suppressive transcript; plus strand), FLG (filaggrin; minus strand). Cytogenetic location: 1q21.3.
Variant type: single nucleotide variant.
Coding change: c.11889T>C on transcript NM_002016.2 (MANE Select); coding-DNA position 11889, T replaced by C.
Protein change: p.Thr3963=; no amino-acid change (threonine 3963 retained).
Molecular consequence: synonymous variant.
Genome position (GRCh38, 1-based): chr1:152,302,997, A>G on the plus strand (T>C on the coding strand, the complement: FLG is on the minus strand). VCF-style: chr1-152302997-A-G. GRCh37 (hg19) VCF-style: chr1-152275473-A-G.
Identifiers: ClinVar variation 4535368 (VCV004535368.6).